The following is an entry in ClinVar:

NM_001165963.4(SCN1A):c.3680T>C (p.Met1227Thr)

Genes: SCN1A (sodium voltage-gated channel alpha subunit 1; minus strand), LOC102724058 (uncharacterized LOC102724058; plus strand). Cytogenetic location: 2q24.3.
Variant type: single nucleotide variant.
Coding change: c.3680T>C on transcript NM_001165963.4 (MANE Select); coding-DNA position 3680, T replaced by C.
Protein change: p.Met1227Thr; replaces methionine 1227 with threonine.
Molecular consequence: missense variant. On other transcripts: non-coding transcript variant (1).
Genome position (GRCh38, 1-based): chr2:166,013,769, A>G on the plus strand (T>C on the coding strand, the complement: SCN1A is on the minus strand). VCF-style: chr2-166013769-A-G. GRCh37 (hg19) VCF-style: chr2-166870279-A-G.
Other names: c.3596T>C, p.Met1199Thr (NM_001165964.3, NM_001353957.2, NM_001353958.2); c.3680T>C, p.Met1227Thr (NM_001202435.3, NM_001353948.2); c.3647T>C, p.Met1216Thr (NM_001353949.2, NM_001353950.2, NM_001353951.2 and 2 more transcripts); c.3644T>C, p.Met1215Thr (NM_001353954.2, NM_001353955.2); c.3593T>C, p.Met1198Thr (NM_001353960.2); c.1238T>C, p.Met413Thr (NM_001353961.2); short protein forms M1198T, M1199T, M1215T, M1216T, M1227T, M413T.
Identifiers: ClinVar variation 1717863 (VCV001717863.5), dbSNP rs2468531001, ClinGen allele CA349055771.

ClinVar aggregate classification (germline): Uncertain significance (1 of 4 stars; one submission).

Conditions:
Early-infantile DEE. Also called: Early infantile epileptic encephalopathy with suppression bursts; Early infantile epileptic encephalopathy; Ohtahara syndrome. Identifiers: Orphanet 1934, MedGen C0393706, MONDO:0800491.

Submission:

Labcorp Genetics (formerly Invitae), Labcorp
Classification: Uncertain significance for Early-infantile DEE. Last evaluated: 2022-08-23. Review status: criteria provided, single submitter. Criteria: Invitae Variant Classification Sherloc (09022015). Collection method: clinical testing. Allele origin: germline.
Comment: In summary, the available evidence is currently insufficient to determine the role of this variant in disease. Therefore, it has been classified as a Variant of Uncertain Significance. Advanced modeling of protein sequence and biophysical properties (such as structural, functional, and spatial information, amino acid conservation, physicochemical variation, residue mobility, and thermodynamic stability) performed at Invitae indicates that this missense variant is expected to disrupt SCN1A protein function. This variant has not been reported in the literature in individuals affected with SCN1A-related conditions. This variant is not present in population databases (gnomAD no frequency). This sequence change replaces methionine, which is neutral and non-polar, with threonine, which is neutral and polar, at codon 1227 of the SCN1A protein (p.Met1227Thr).